The following is an entry in ClinVar:

ClinVar aggregate classification (germline): Uncertain significance (1 of 4 stars; one submission).

Conditions:
CEP290-related disorder. Also called: CEP290-related disorders; CEP290-related condition. Identifiers: MedGen CN239314.

gnomAD v4.1: 2 of 1,546,466 alleles (0.00013%); highest among the groups gnomAD compares: African/African-American, 0.0014%; no homozygotes.

Submission:

PreventionGenetics, part of Exact Sciences
Classification: Uncertain significance for CEP290-related condition. Last evaluated: 2025-08-07. Review status: criteria provided, single submitter. Criteria: ACMG Guidelines, 2015. Collection method: clinical testing. Allele origin: germline.
Comment: The CEP290 c.2575A>G variant is predicted to result in the amino acid substitution p.Lys859Glu. To our knowledge, this variant has not been reported in the literature or in a large population database, indicating this variant is rare. At this time, the clinical significance of this variant is uncertain due to the absence of conclusive functional and genetic evidence.

NM_025114.4(CEP290):c.2575A>G (p.Lys859Glu)

Gene: CEP290 (centrosomal protein 290; minus strand). Cytogenetic location: 12q21.32.
Variant type: single nucleotide variant.
Coding change: c.2575A>G on transcript NM_025114.4 (MANE Select); coding-DNA position 2575, A replaced by G.
Protein change: p.Lys859Glu; replaces lysine 859 with glutamic acid.
Molecular consequence: missense variant.
Genome position (GRCh38, 1-based): chr12:88,107,007, T>C on the plus strand (A>G on the coding strand, the complement: CEP290 is on the minus strand). VCF-style: chr12-88107007-T-C. GRCh37 (hg19) VCF-style: chr12-88500784-T-C.
Other names: short protein forms K859E.
Identifiers: ClinVar variation 3355969 (VCV003355969.2).
Genomic context (GRCh38, chr12:88,107,007, plus strand): 5'-TCCTACTTTGTACAATATTGCATACTAATGTTAAAAATGTTTTACTTACATTATATTCTT[T>C]TACTTTTATAGCATCTTGTTGGACTTGATCCTCAAGTTTTCTCTTTTCCTCTTTTATTGT-3'
Protein context (NP_079390.3, residues 849-869): DQVQQDAIKV[Lys859Glu]EYNNLLNALQ